The following is an entry in ClinVar:

NM_032380.5(GFM2):c.1127A>G (p.His376Arg)

Gene: GFM2 (GTP dependent ribosome recycling factor mitochondrial 2; minus strand). Cytogenetic location: 5q13.3.
Variant type: single nucleotide variant.
Coding change: c.1127A>G on transcript NM_032380.5 (MANE Select); coding-DNA position 1127, A replaced by G.
Protein change: p.His376Arg; replaces histidine 376 with arginine.
Molecular consequence: missense variant. On other transcripts: non-coding transcript variant (1), intron variant (1).
Genome position (GRCh38, 1-based): chr5:74,738,595, T>C on the plus strand (A>G on the coding strand, the complement: GFM2 is on the minus strand). VCF-style: chr5-74738595-T-C. GRCh37 (hg19) VCF-style: chr5-74034420-T-C.
Other names: c.1223A>G, p.His408Arg (NM_001281302.2); c.1127A>G, p.His376Arg (NM_170681.3); c.1080-178A>G (NM_170691.3); short protein forms H376R, H408R.
Identifiers: ClinVar variation 1700842 (VCV001700842.5), dbSNP rs1162619865, ClinGen allele CA360080301.

ClinVar aggregate classification (germline): Uncertain significance. Review status: criteria provided, multiple submitters, no conflicts (2 of 4 stars). 2 submissions from 2 submitters: Uncertain significance (2). Last evaluated 2022-12-06.

Conditions:
Inborn genetic diseases. Identifiers: MedGen C0950123, MeSH D030342.

Allele frequency attached by ClinVar (database versions not stated): gnomAD exomes below 0.00001 and 0.00002; gnomAD 0.00001.
gnomAD v4.1: 23 of 1,613,600 alleles (0.0014%); highest among the groups gnomAD compares: Admixed American, 0.0033%; no homozygotes.

Submissions (2):

Ambry Genetics
Classification: Uncertain significance for Inborn genetic diseases. Last evaluated: 2022-12-06. Review status: criteria provided, single submitter. Criteria: Ambry Variant Classification Scheme 2023. Collection method: clinical testing. Allele origin: germline.

GeneDx
Classification: Uncertain significance. Last evaluated: 2022-02-09. Review status: criteria provided, single submitter. Criteria: GeneDx Variant Classification Process June 2021. Collection method: clinical testing. Allele origin: germline. Affected: yes.
Comment: Not observed at significant frequency in large population cohorts (gnomAD); In silico analysis supports that this missense variant has a deleterious effect on protein structure/function; Has not been previously published as pathogenic or benign to our knowledge